The following is an entry in ClinVar:

ClinVar aggregate classification (germline): Uncertain significance (1 of 4 stars; one submission).

Conditions:
Cardiovascular phenotype. Identifiers: MedGen CN230736.

gnomAD v4.1: 5 of 1,446,908 alleles (0.00035%); highest among the groups gnomAD compares: African/African-American, 0.003%; no homozygotes.

Submission:

Ambry Genetics
Classification: Uncertain significance for Cardiovascular phenotype. Last evaluated: 2026-07-19. Review status: criteria provided, single submitter. Criteria: Ambry Variant Classification Scheme 2023. Collection method: clinical testing. Allele origin: germline.
Comment: The p.P1002S variant (also known as c.3004C>T), located in coding exon 1 of the ZNF469 gene, results from a C to T substitution at nucleotide position 3004. The proline at codon 1002 is replaced by serine, an amino acid with similar properties. This amino acid position is conserved. In addition, this alteration is predicted to be tolerated by in silico analysis. Based on the available evidence, the clinical significance of this variant remains unclear.

NM_001367624.2(ZNF469):c.3004C>T (p.Pro1002Ser)

Gene: ZNF469 (zinc finger protein 469; plus strand). Cytogenetic location: 16q24.2.
Variant type: single nucleotide variant.
Coding change: c.3004C>T on transcript NM_001367624.2 (MANE Select); coding-DNA position 3004, C replaced by T.
Protein change: p.Pro1002Ser; replaces proline 1002 with serine.
Molecular consequence: missense variant.
Genome position (GRCh38, 1-based): chr16:88,430,474, C>T. VCF-style: chr16-88430474-C-T. GRCh37 (hg19) VCF-style: chr16-88496882-C-T.
Other names: NM_001127464.1:c.3004C>T; short protein forms P1002S.
Identifiers: ClinVar variation 5032224 (VCV005032224.1).